The following is an entry in ClinVar:

ClinVar aggregate classification (germline): Pathogenic (1 of 4 stars; one submission).

Submission:

Labcorp Genetics (formerly Invitae), Labcorp
Classification: Pathogenic. Last evaluated: 2023-06-18. Review status: criteria provided, single submitter. Criteria: Invitae Variant Classification Sherloc (09022015). Collection method: clinical testing. Allele origin: germline.
Comment: This sequence change creates a premature translational stop signal (p.Gly574Profs*151) in the COL18A1 gene. It is expected to result in an absent or disrupted protein product. Loss-of-function variants in COL18A1 are known to be pathogenic (PMID: 12415512, 25456301). This variant is not present in population databases (gnomAD no frequency). This variant has not been reported in the literature in individuals affected with COL18A1-related conditions. For these reasons, this variant has been classified as Pathogenic.

Literature cited by the submitters: PubMed 12415512; PubMed 25456301.

NM_001379500.1(COL18A1):c.1718_1719dup (p.Gly574fs)

Gene: COL18A1 (collagen type XVIII alpha 1 chain; plus strand). Cytogenetic location: 21q22.3.
Variant type: Duplication.
Coding change: c.1718_1719dup on transcript NM_001379500.1 (MANE Select); coding-DNA positions 1718 to 1719, 2 bases duplicated (CC; older notation c.1718_1719dupCC).
Protein change: p.Gly574fs; shifts the reading frame from glycine 574.
Molecular consequence: frameshift variant.
Genome position (GRCh38, 1-based): chr21:45,486,877-45,486,878, CC duplicated; duplicating any 2 consecutive bases within chr21:45,486,874-45,486,878 gives the same sequence; the c. name uses the placement nearest the transcript's 3' end. VCF-style (leftmost placement, unchanged base first): chr21-45486873-G-GCC. GRCh37 (hg19) VCF-style: chr21-46906787-G-GCC.
Other names: c.2258_2259dup, p.Gly754fs (NM_030582.4); c.2963_2964dup, p.Gly989fs (NM_130444.3); short protein forms G574fs, G989fs, G754fs.
Identifiers: ClinVar variation 2718826 (VCV002718826.3), dbSNP rs1160950245, ClinGen allele CA2697547628.